The following is an entry in ClinVar:

NM_032447.5(FBN3):c.4975G>A (p.Gly1659Ser)

Gene: FBN3 (fibrillin 3; minus strand). Cytogenetic location: 19p13.2.
Variant type: single nucleotide variant.
Coding change: c.4975G>A on transcript NM_032447.5 (MANE Select); coding-DNA position 4975, G replaced by A.
Protein change: p.Gly1659Ser; replaces glycine 1659 with serine.
Molecular consequence: missense variant.
Genome position (GRCh38, 1-based): chr19:8,102,838, C>T on the plus strand (G>A on the coding strand, the complement: FBN3 is on the minus strand). VCF-style: chr19-8102838-C-T. GRCh37 (hg19) VCF-style: chr19-8167722-C-T.
Other names: c.4975G>A, p.Gly1659Ser (NM_001321431.2); short protein forms G1659S.
Identifiers: ClinVar variation 1992153 (VCV001992153.4), dbSNP rs762602961, ClinGen allele CA9151844.

ClinVar aggregate classification (germline): Uncertain significance (1 of 4 stars; one submission).

Allele frequency attached by ClinVar (database versions not stated): gnomAD 0.00001; TOPMed 0.00003; ExAC 0.00005; gnomAD exomes 0.00006.
gnomAD v4.1: 89 of 1,613,906 alleles (0.0055%); highest among the groups gnomAD compares: South Asian, 0.021%; no homozygotes.

Submission:

Labcorp Genetics (formerly Invitae), Labcorp
Classification: Uncertain significance. Last evaluated: 2024-10-16. Review status: criteria provided, single submitter. Criteria: Invitae Variant Classification Sherloc (09022015). Collection method: clinical testing. Allele origin: germline.
Comment: This sequence change replaces glycine, which is neutral and non-polar, with serine, which is neutral and polar, at codon 1659 of the FBN3 protein (p.Gly1659Ser). This variant is present in population databases (rs762602961, gnomAD 0.02%). This variant has not been reported in the literature in individuals affected with FBN3-related conditions. ClinVar contains an entry for this variant (Variation ID: 1992153). Invitae Evidence Modeling of protein sequence and biophysical properties (such as structural, functional, and spatial information, amino acid conservation, physicochemical variation, residue mobility, and thermodynamic stability) indicates that this missense variant is not expected to disrupt FBN3 protein function with a negative predictive value of 80%. In summary, the available evidence is currently insufficient to determine the role of this variant in disease. Therefore, it has been classified as a Variant of Uncertain Significance.